The following is an entry in ClinVar:

ClinVar aggregate classification (germline): Uncertain significance. Review status: criteria provided, multiple submitters, no conflicts (2 of 4 stars). 4 submissions from 4 submitters: Uncertain significance (4). Last evaluated 2025-10-25.

Conditions:
Lymphangiomyomatosis (LAM). Also called: Lymphangioleiomyomatosis; Lymphangioleiomyomatosis, somatic. Identifiers: Orphanet 538, MedGen C0751674, MONDO:0011705, OMIM 606690.
Isolated focal cortical dysplasia type II (FCORD2). Also called: CORTICAL DYSPLASIA OF TAYLOR; Focal cortical dysplasia type II. Identifiers: Orphanet 268994, MedGen C1846385, MONDO:0011818, OMIM 607341, HP:0032051.
Tuberous sclerosis 1 (TSC1). Identifiers: Orphanet 805, MedGen C1854465, MONDO:0008612, OMIM 191100.
Tuberous sclerosis syndrome (TSC). Also called: Tuberous sclerosis; Tuberous Sclerosis Complex. Identifiers: Orphanet 805, MedGen C0041341, MONDO:0001734.
Hereditary cancer-predisposing syndrome. Also called: Hereditary Cancer Syndrome; Tumor predisposition; Hereditary neoplastic syndrome; Neoplastic Syndromes, Hereditary. Identifiers: Orphanet 140162, MedGen C0027672, MeSH D009386, MONDO:0015356.

Submissions (4):

Labcorp Genetics (formerly Invitae), Labcorp
Classification: Uncertain significance for Tuberous sclerosis 1. Last evaluated: 2025-10-25. Review status: criteria provided, single submitter. Criteria: Invitae Variant Classification Sherloc (09022015). Collection method: clinical testing. Allele origin: germline.
Comment: This sequence change replaces glutamine, which is neutral and polar, with histidine, which is basic and polar, at codon 797 of the TSC1 protein (p.Gln797His). This variant also falls at the last nucleotide of exon 18, which is part of the consensus splice site for this exon. This variant is not present in population databases (gnomAD no frequency). This variant has not been reported in the literature in individuals affected with TSC1-related conditions. ClinVar contains an entry for this variant (Variation ID: 3018027). Invitae Evidence Modeling of protein sequence and biophysical properties (such as structural, functional, and spatial information, amino acid conservation, physicochemical variation, residue mobility, and thermodynamic stability) indicates that this missense variant is not expected to disrupt TSC1 protein function with a negative predictive value of 95%. Variants that disrupt the consensus splice site are a relatively common cause of aberrant splicing (PMID: 17576681, 9536098). RNA analysis performed to evaluate the impact of this missense change on mRNA splicing indicates it does not significantly alter splicing (internal data). In summary, the available evidence is currently insufficient to determine the role of this variant in disease. Therefore, it has been classified as a Variant of Uncertain Significance.

Ambry Genetics
Classification: Uncertain significance for Hereditary cancer-predisposing syndrome. Last evaluated: 2025-03-03. Review status: criteria provided, single submitter. Criteria: Ambry Variant Classification Scheme 2023. Collection method: clinical testing. Allele origin: germline.
Comment: The c.2391G>T variant (also known as p.Q797H), located in coding exon 16 of the TSC1 gene, results from a G to T substitution at nucleotide position 2391. The amino acid change results in glutamine to histidine at codon 797, an amino acid with highly similar properties. However, this change occurs in the last base pair of coding exon 16, which makes it likely to have some effect on normal mRNA splicing. This nucleotide position is highly conserved in available vertebrate species. This amino acid position is also highly conserved in available vertebrate species. In silico splice site analysis predicts that this alteration will weaken the native splice donor site; however, direct evidence is insufficient at this time (Ambry internal data). In addition, as a missense substitution this is predicted to be inconclusive by in silico analysis. Based on the available evidence, the clinical significance of this variant remains unclear.

Fulgent Genetics
Classification: Uncertain significance for Tuberous sclerosis 1; Lymphangiomyomatosis; Isolated focal cortical dysplasia type II. Last evaluated: 2024-06-03. Review status: criteria provided, single submitter. Criteria: ACMG Guidelines, 2015. Collection method: clinical testing. Allele origin: germline.

All of Us Research Program, National Institutes of Health
Classification: Uncertain significance for Tuberous sclerosis syndrome. Last evaluated: 2023-04-10. Review status: criteria provided, single submitter. Criteria: ACMG Guidelines, 2015. Collection method: clinical testing. Allele origin: germline. Inheritance: Autosomal dominant inheritance. Observed: 1 variant allele, 1 heterozygote.
Comment: This missense variant replaces glutamine with histidine at codon 797 of the TSC1 protein. Computational prediction suggests that this variant may not impact protein structure and function (internally defined REVEL score threshold <= 0.5, PMID: 27666373). To our knowledge, functional studies have not been reported for this variant. This variant has not been reported in individuals affected with TSC1-related disorders in the literature. This variant has not been identified in the general population by the Genome Aggregation Database (gnomAD). The available evidence is insufficient to determine the role of this variant in disease conclusively. Therefore, this variant is classified as a Variant of Uncertain Significance.

This study involves interpretation of variants in research participants for the purpose of population health screening. Participant phenotype was not available at the time of variant classification. Additional details can be found in publication PMID: 35346344, PMCID: PMC8962531

Literature cited by the submitters: PubMed 17576681 (cited by Labcorp Genetics (formerly Invitae), Labcorp); PubMed 9536098 (cited by Labcorp Genetics (formerly Invitae), Labcorp).

NM_000368.5(TSC1):c.2391G>T (p.Gln797His)

Gene: TSC1 (TSC complex subunit 1; minus strand). Cytogenetic location: 9q34.13.
Variant type: single nucleotide variant.
Coding change: c.2391G>T on transcript NM_000368.5 (MANE Select); coding-DNA position 2391, G replaced by T.
Protein change: p.Gln797His; replaces glutamine 797 with histidine.
Molecular consequence: missense variant. On other transcripts: non-coding transcript variant (5).
Genome position (GRCh38, 1-based): chr9:132,902,605, C>A on the plus strand (G>T on the coding strand, the complement: TSC1 is on the minus strand). VCF-style: chr9-132902605-C-A. GRCh37 (hg19) VCF-style: chr9-135777992-C-A.
Other names: c.2025G>T, p.Gln675His (NM_001406620.1, NM_001406621.1, NM_001406625.1 and 2 more transcripts); c.1440G>T, p.Gln480His (NM_001406626.1); c.1437G>T, p.Gln479His (NM_001406627.1, NM_001406628.1); c.2028G>T, p.Gln676His (NM_001406616.1, NM_001406617.1, NM_001406618.1 and 5 more transcripts); c.1338G>T, p.Gln446His (NM_001406629.1, NM_001406630.1); c.2391G>T, p.Gln797His (NM_001406605.1, NM_001406606.1, NM_001406607.1 and 5 more transcripts); c.2388G>T, p.Gln796His (NM_001406608.1, NM_001406609.1, NM_001406598.1 and 4 more transcripts); c.2238G>T, p.Gln746His (NM_001406610.1, NM_001162427.2); and 3 more; short protein forms Q480H, Q676H, Q791H, Q792H, Q796H, Q479H, Q675H, Q745H.
Identifiers: ClinVar variation 3018027 (VCV003018027.7), dbSNP rs1827865790, ClinGen allele CA375358976.
Genomic context (GRCh38, chr9:132,902,605, plus strand): 5'-CCCTCCCCACTGCTCTCCGGCATTCTCGCAGTTGGCTTTGCCTGGTGCTGCAGTTTATAC[C>A]TGTAATTCCTGGCTCTGGTTGTAGAATTCCTCTCGGTCATGCTGCAGCTGTCTGATCTGG-3'
Protein context (NP_000359.1, residues 787-807): EEFYNQSQEL[Gln797His]TKLEDCRNMI